The following is an entry in ClinVar:

ClinVar aggregate classification (germline): Benign. Review status: criteria provided, multiple submitters, no conflicts (2 of 4 stars). 2 submissions from 2 submitters: Benign (2). Last evaluated 2018-06-14.

Allele frequency attached by ClinVar (database versions not stated): 1000 Genomes Project 0.41374; 1000 Genomes Project 30x 0.41771; gnomAD 0.46379 and 0.47053; gnomAD exomes 0.47614; TOPMed 0.48072.
gnomAD v4.1: 595,665 of 1,255,700 alleles (47%); highest among the groups gnomAD compares: Admixed American, 52%; 142,939 homozygotes.

Submissions (2):

GeneDx
Classification: Benign. Last evaluated: 2018-06-14. Review status: criteria provided, single submitter. Criteria: GeneDx Variant Classification (06012015). Collection method: clinical testing. Allele origin: germline. Affected: yes.
Comment: This variant is considered likely benign or benign based on one or more of the following criteria: it is a conservative change, it occurs at a poorly conserved position in the protein, it is predicted to be benign by multiple in silico algorithms, and/or has population frequency not consistent with disease.

Breakthrough Genomics
Classification: Benign. Review status: criteria provided, single submitter. Criteria: ACMG Guidelines, 2015. Collection method: not provided. Allele origin: germline. Inheritance: Autosomal recessive inheritance. Affected: yes.

NM_006767.4(LZTR1):c.791+106G>C

Gene: LZTR1 (leucine zipper like post translational regulator 1; plus strand). Cytogenetic location: 22q11.21.
Variant type: single nucleotide variant.
Coding change: c.791+106G>C on transcript NM_006767.4 (MANE Select); 106 bases into the intron after coding-DNA position 791, G replaced by C.
Molecular consequence: intron variant.
Genome position (GRCh38, 1-based): chr22:20,990,631, G>C. VCF-style: chr22-20990631-G-C. GRCh37 (hg19) VCF-style: chr22-21344920-G-C.
Identifiers: ClinVar variation 561413 (VCV000561413.2), dbSNP rs17820542, ClinGen allele CA14934944.